The following is an entry in ClinVar:

NM_017780.4(CHD7):c.908C>G (p.Thr303Ser)

Gene: CHD7 (chromodomain helicase DNA binding protein 7; plus strand). Cytogenetic location: 8q12.2.
Variant type: single nucleotide variant.
Coding change: c.908C>G on transcript NM_017780.4 (MANE Select); coding-DNA position 908, C replaced by G.
Protein change: p.Thr303Ser; replaces threonine 303 with serine.
Molecular consequence: missense variant.
Genome position (GRCh38, 1-based): chr8:60,742,340, C>G. VCF-style: chr8-60742340-C-G. GRCh37 (hg19) VCF-style: chr8-61654899-C-G.
Other names: c.908C>G, p.Thr303Ser (NM_001316690.1); short protein forms T303S.
Identifiers: ClinVar variation 1309404 (VCV001309404.2), dbSNP rs2150579546, ClinGen allele CA371300008.

ClinVar aggregate classification (germline): Uncertain significance (1 of 4 stars; one submission).

gnomAD v4.1: 4 of 1,613,988 alleles (0.00025%); highest among the groups gnomAD compares: Non-Finnish European, 0.00034%; no homozygotes.

Submission:

GeneDx
Classification: Uncertain significance. Last evaluated: 2021-02-15. Review status: criteria provided, single submitter. Criteria: GeneDx Variant Classification Process June 2021. Collection method: clinical testing. Allele origin: germline. Affected: yes.
Comment: Not observed in large population cohorts (Lek et al., 2016); In silico analysis, which includes protein predictors and evolutionary conservation, supports that this variant does not alter protein structure/function; Has not been previously published as pathogenic or benign to our knowledge